The following is an entry in ClinVar:

ClinVar aggregate classification (germline): Uncertain significance. Review status: criteria provided, multiple submitters, no conflicts (2 of 4 stars). 2 submissions from 2 submitters: Uncertain significance (2). Last evaluated 2026-06-10.

Conditions:
Cardiovascular phenotype. Identifiers: MedGen CN230736.
Myofibrillar myopathy 4. Also called: Zaspopathy (type). Identifiers: Orphanet 98912, MedGen C4721886, MONDO:0012277, OMIM 609452.

gnomAD v4.1: 9 of 1,613,836 alleles (0.00056%); highest among the groups gnomAD compares: Middle Eastern, 0.016%; no homozygotes.

Submissions (2):

Ambry Genetics
Classification: Uncertain significance for Cardiovascular phenotype. Last evaluated: 2026-06-10. Review status: criteria provided, single submitter. Criteria: Ambry Variant Classification Scheme 2023. Collection method: clinical testing. Allele origin: germline.
Comment: The c.1497G>C (p.K499N) alteration is located in exon 9 (coding exon 9) of the LDB3 gene. This alteration results from a G to C substitution at nucleotide position 1497, causing the lysine (K) at amino acid position 499 to be replaced by an asparagine (N). Based on data from gnomAD, the C allele has an overall frequency of <0.001% (1/250068) total alleles studied. The highest observed frequency was 0.001% (1/112390) of European (non-Finnish) alleles. Based on insufficient or conflicting evidence, the clinical significance of this alteration remains unclear.

Labcorp Genetics (formerly Invitae), Labcorp
Classification: Uncertain significance for Myofibrillar myopathy 4. Last evaluated: 2024-05-04. Review status: criteria provided, single submitter. Criteria: Invitae Variant Classification Sherloc (09022015). Collection method: clinical testing. Allele origin: germline.
Comment: The LDB3 gene has multiple clinically relevant transcripts. This variant occurs in alternate transcript NM_007078.3, and corresponds to NM_001080116.1:c.*17218G>C in the primary transcript. This sequence change replaces lysine, which is basic and polar, with asparagine, which is neutral and polar, at codon 499 of the LDB3 protein (p.Lys499Asn). This variant is present in population databases (no rsID available, gnomAD 0.0009%). This variant has not been reported in the literature in individuals affected with LDB3-related conditions. Experimental studies and prediction algorithms are not available or were not evaluated, and the functional significance of this variant is currently unknown. In summary, the available evidence is currently insufficient to determine the role of this variant in disease. Therefore, it has been classified as a Variant of Uncertain Significance.

NM_007078.3(LDB3):c.1497G>C (p.Lys499Asn)

Gene: LDB3 (LIM domain binding 3; plus strand). Cytogenetic location: 10q23.2.
Variant type: single nucleotide variant.
Coding change: c.1497G>C on transcript NM_007078.3 (MANE Select); coding-DNA position 1497, G replaced by C.
Protein change: p.Lys499Asn; replaces lysine 499 with asparagine.
Molecular consequence: missense variant.
Genome position (GRCh38, 1-based): chr10:86,716,592, G>C. VCF-style: chr10-86716592-G-C. GRCh37 (hg19) VCF-style: chr10-88476349-G-C.
Other names: c.1497G>C (NM_007078.2); c.1167G>C, p.Lys389Asn (NM_001080114.2); c.1512G>C, p.Lys504Asn (NM_001171610.2); c.1308G>C, p.Lys436Asn (NM_001368064.1, NM_001368065.1); c.1356G>C, p.Lys452Asn (NM_001368066.1); short protein forms K436N, K499N, K452N, K389N, K504N.
Identifiers: ClinVar variation 1428383 (VCV001428383.9), dbSNP rs1278770988, ClinGen allele CA377451031.
Genomic context (GRCh38, chr10:86,716,592, plus strand): 5'-GGGCCCTGCGGAGCCTGCCAGCCGTCCACCCTGGGTGACAGATGATAGCTTCTCCCAGAA[G>C]TTTGCCCCGGGCAAGAGCACCACCTCCATCAGCAAGCAGACCCTGCCCCGGGGAGGCCCA-3'
Protein context (NP_009009.1, residues 489-509): PWVTDDSFSQ[Lys499Asn]FAPGKSTTSI